The following is an entry in ClinVar:

NM_032575.3(GLIS2):c.415G>A (p.Gly139Arg)

Gene: GLIS2 (GLIS family zinc finger 2; plus strand). Cytogenetic location: 16p13.3.
Variant type: single nucleotide variant.
Coding change: c.415G>A on transcript NM_032575.3 (MANE Select); coding-DNA position 415, G replaced by A.
Protein change: p.Gly139Arg; replaces glycine 139 with arginine.
Molecular consequence: missense variant.
Genome position (GRCh38, 1-based): chr16:4,334,870, G>A. VCF-style: chr16-4334870-G-A. GRCh37 (hg19) VCF-style: chr16-4384871-G-A.
Other names: c.415G>A, p.Gly139Arg (NM_001318918.2); short protein forms G139R.
Identifiers: ClinVar variation 241705 (VCV000241705.16), dbSNP rs147175353, ClinGen allele CA7873000.

ClinVar aggregate classification (germline): Benign/Likely benign. Review status: criteria provided, multiple submitters, no conflicts (2 of 4 stars). 4 submissions from 4 submitters: Benign (2); Likely benign (2). Last evaluated 2025-12-13.

Conditions:
Nephronophthisis. Also called: Juvenile Nephronophthisis. Identifiers: Orphanet 655, MedGen C0687120, MONDO:0019005, HP:0000090.

Allele frequency attached by ClinVar (database versions not stated): gnomAD 0.00265; TOPMed 0.00314; ESP Exome Variant Server 0.00323; 1000 Genomes Project 30x 0.00328; 1000 Genomes Project 0.00339.
gnomAD v4.1: 951 of 1,612,616 alleles (0.059%); highest among the groups gnomAD compares: African/African-American, 1%; 2 homozygotes.

Submissions (5):

Labcorp Genetics (formerly Invitae), Labcorp
Classification: Benign for Nephronophthisis. Last evaluated: 2025-12-13. Review status: criteria provided, single submitter. Criteria: Invitae Variant Classification Sherloc (09022015). Collection method: clinical testing. Allele origin: germline.

Ambry Genetics
Classification: Likely benign. Last evaluated: 2025-08-21. Review status: criteria provided, single submitter. Criteria: Ambry Variant Classification Scheme 2023. Collection method: clinical testing. Allele origin: germline.

GeneDx
Classification: Likely benign. Last evaluated: 2024-08-03. Review status: criteria provided, single submitter. Criteria: GeneDx Variant Classification Process June 2021. Collection method: clinical testing. Allele origin: germline. Affected: yes.
Comment: See Variant Classification Assertion Criteria.

Breakthrough Genomics
Classification: Benign. Review status: criteria provided, single submitter. Criteria: ACMG Guidelines, 2015. Collection method: not provided. Allele origin: germline. Inheritance: Unknown mechanism. Affected: yes.

Dr. Peter K. Rogan Lab, Western University
No classification provided (evidence only). Condition: Cervical cancer. Review status: no classification provided. Collection method: in vitro. Allele origin: not applicable. Functional consequence: retained intron. Not counted in ClinVar's aggregate classification.